The following is an entry in ClinVar:

NM_000814.6(GABRB3):c.589G>T (p.Asp197Tyr)

Gene: GABRB3 (gamma-aminobutyric acid type A receptor subunit beta3; minus strand). Cytogenetic location: 15q12.
Variant type: single nucleotide variant.
Coding change: c.589G>T on transcript NM_000814.6 (MANE Select); coding-DNA position 589, G replaced by T.
Protein change: p.Asp197Tyr; replaces aspartic acid 197 with tyrosine.
Molecular consequence: missense variant.
Genome position (GRCh38, 1-based): chr15:26,580,412, C>A on the plus strand (G>T on the coding strand, the complement: GABRB3 is on the minus strand). VCF-style: chr15-26580412-C-A. GRCh37 (hg19) VCF-style: chr15-26825559-C-A.
Other names: c.334G>T, p.Asp112Tyr (NM_001191320.2, NM_001278631.2); c.376G>T, p.Asp126Tyr (NM_001191321.3); c.589G>T, p.Asp197Tyr (NM_021912.5); short protein forms D112Y, D126Y, D197Y.
Identifiers: ClinVar variation 1709509 (VCV001709509.2), dbSNP rs375461837, ClinGen allele CA391464107.

ClinVar aggregate classification (germline): Uncertain significance (1 of 4 stars; one submission).

Conditions:
Developmental and epileptic encephalopathy, 43 (DEE43). Also called: Epileptic encephalopathy, early infantile, 43. Identifiers: MedGen C4310712, MONDO:0014921, OMIM 617113.

Submission:

MGZ Medical Genetics Center
Classification: Uncertain significance for Developmental and epileptic encephalopathy, 43. Last evaluated: 2022-06-02. Review status: criteria provided, single submitter. Criteria: ACMG Guidelines, 2015. Collection method: clinical testing. Allele origin: germline. Affected: yes. Observed: 1 variant allele.
Comment: ACMG criteria applied: PM2_SUP, PP2, PP3